The following is an entry in ClinVar:

NM_000343.4(SLC5A1):c.1666-10T>C

Gene: SLC5A1 (solute carrier family 5 member 1; plus strand). Cytogenetic location: 22q12.3.
Variant type: single nucleotide variant.
Coding change: c.1666-10T>C on transcript NM_000343.4 (MANE Select); 10 bases into the intron before coding-DNA position 1666, T replaced by C.
Molecular consequence: intron variant.
Genome position (GRCh38, 1-based): chr22:32,104,776, T>C. VCF-style: chr22-32104776-T-C. GRCh37 (hg19) VCF-style: chr22-32500763-T-C.
Other names: p.?; c.1285-10T>C (NM_001256314.2).
Identifiers: ClinVar variation 2728289 (VCV002728289.4), dbSNP rs749971772, ClinGen allele CA10198291.

ClinVar aggregate classification (germline): Likely benign. Review status: criteria provided, multiple submitters, no conflicts (2 of 4 stars). 2 submissions from 2 submitters: Likely benign (2). Last evaluated 2025-12-15.

Conditions:
Congenital glucose-galactose malabsorption (GGM). Also called: MONOSACCHARIDE MALABSORPTION; DIARRHEA 16. Identifiers: Orphanet 35710, MedGen C0268186, MONDO:0011731, OMIM 606824.

Allele frequency attached by ClinVar (database versions not stated): ExAC 0.00001; gnomAD 0.00002; TOPMed 0.00003; gnomAD exomes 0.00004.
gnomAD v4.1: 54 of 1,612,360 alleles (0.0033%); highest among the groups gnomAD compares: Non-Finnish European, 0.0044%; no homozygotes.

Submissions (2):

Labcorp Genetics (formerly Invitae), Labcorp
Classification: Likely benign for Congenital glucose-galactose malabsorption. Last evaluated: 2025-12-15. Review status: criteria provided, single submitter. Criteria: Invitae Variant Classification Sherloc (09022015). Collection method: clinical testing. Allele origin: germline.

Mayo Clinic Laboratories, Mayo Clinic
Classification: Likely benign. Last evaluated: 2025-09-24. Review status: criteria provided, single submitter. Criteria: ACMG Guidelines, 2015. Collection method: clinical testing. Allele origin: germline. Observed: 1 variant allele.
Comment: BP7